The following is an entry in ClinVar:

ClinVar aggregate classification (germline): Benign/Likely benign. Review status: criteria provided, multiple submitters, no conflicts (2 of 4 stars). 6 submissions from 6 submitters: Benign (3); Likely benign (3). Last evaluated 2026-02-04.

Conditions:
Hereditary pulmonary alveolar proteinosis. Also called: Pulmonary surfactant metabolism dysfunction. Identifiers: Orphanet 264675, MedGen C3711368, MONDO:0012580.
Interstitial lung disease due to ABCA3 deficiency. Also called: PULMONARY ALVEOLAR PROTEINOSIS, CONGENITAL, 3. Identifiers: Orphanet 440402, MedGen C1970456, MONDO:0012582, OMIM 610921.

Allele frequency attached by ClinVar (database versions not stated): gnomAD exomes 0.00038 and 0.00090; ExAC 0.00127; TOPMed 0.00356; gnomAD 0.00365 and 0.00387; ESP Exome Variant Server 0.00439; 1000 Genomes Project 0.00459; 1000 Genomes Project 30x 0.00515.
gnomAD v4.1: 1,144 of 1,614,074 alleles (0.071%); highest among the groups gnomAD compares: African/African-American, 1.2%; 5 homozygotes.

Submissions (6):

Labcorp Genetics (formerly Invitae), Labcorp
Classification: Benign. Last evaluated: 2026-02-04. Review status: criteria provided, single submitter. Criteria: Invitae Variant Classification Sherloc (09022015). Collection method: clinical testing. Allele origin: germline.

Blueprint Genetics
Classification: Likely benign. Last evaluated: 2024-10-30. Review status: criteria provided, single submitter. Criteria: ACMG Guidelines, 2015. Collection method: clinical testing. Allele origin: germline.

GeneDx
Classification: Benign. Last evaluated: 2020-08-13. Review status: criteria provided, single submitter. Criteria: GeneDx Variant Classification Process June 2021. Collection method: clinical testing. Allele origin: germline. Affected: yes.
Comment: This variant is associated with the following publications: (PMID: 24871971)

Johns Hopkins Genomics, Johns Hopkins University
Classification: Likely benign for Interstitial lung disease due to ABCA3 deficiency. Last evaluated: 2019-03-05. Review status: criteria provided, single submitter. Criteria: ACMG Guidelines, 2015. Collection method: clinical testing. Allele origin: germline.

Ambry Genetics
Classification: Benign for Hereditary pulmonary alveolar proteinosis. Last evaluated: 2019-01-14. Review status: criteria provided, single submitter. Criteria: Ambry Variant Classification Scheme 2023. Collection method: clinical testing. Allele origin: germline.

Breakthrough Genomics
Classification: Likely benign. Review status: criteria provided, single submitter. Criteria: ACMG Guidelines, 2015. Collection method: not provided. Allele origin: germline. Inheritance: Autosomal recessive inheritance. Affected: yes.

NM_001089.3(ABCA3):c.2333A>G (p.His778Arg)

Gene: ABCA3 (ATP binding cassette subfamily A member 3; minus strand). Cytogenetic location: 16p13.3.
Variant type: single nucleotide variant.
Coding change: c.2333A>G on transcript NM_001089.3 (MANE Select); coding-DNA position 2333, A replaced by G.
Protein change: p.His778Arg; replaces histidine 778 with arginine.
Molecular consequence: missense variant.
Genome position (GRCh38, 1-based): chr16:2,295,671, T>C on the plus strand (A>G on the coding strand, the complement: ABCA3 is on the minus strand). VCF-style: chr16-2295671-T-C. GRCh37 (hg19) VCF-style: chr16-2345672-T-C.
Other names: short protein forms H778R.
Identifiers: ClinVar variation 635554 (VCV000635554.16), dbSNP rs34912779, ClinGen allele CA7840869.